The following is an entry in ClinVar:

NM_005359.6(SMAD4):c.288C>T (p.Ala96=)

Gene: SMAD4 (SMAD family member 4; plus strand). Cytogenetic location: 18q21.2.
Variant type: single nucleotide variant.
Coding change: c.288C>T on transcript NM_005359.6 (MANE Select); coding-DNA position 288, C replaced by T.
Protein change: p.Ala96=; no amino-acid change (alanine 96 retained).
Molecular consequence: synonymous variant. On other transcripts: non-coding transcript variant (2).
Genome position (GRCh38, 1-based): chr18:51,048,724, C>T. VCF-style: chr18-51048724-C-T. GRCh37 (hg19) VCF-style: chr18-48575094-C-T.
Other names: c.288C>T, p.Ala96= (NM_001407041.1, NM_001407042.1, NM_001407043.1).
Identifiers: ClinVar variation 3903930 (VCV003903930.2).

ClinVar aggregate classification (germline): Benign/Likely benign. Review status: criteria provided, multiple submitters, no conflicts (2 of 4 stars). 2 submissions from 2 submitters: Benign (1); Likely benign (1). Last evaluated 2026-06-20.

Conditions:
Juvenile polyposis/hereditary hemorrhagic telangiectasia syndrome (JPHT). Also called: JP/HHT SYNDROME; JUVENILE POLYPOSIS WITH HEREDITARY HEMORRHAGIC TELANGIECTASIA; POLYPOSIS, GENERALIZED JUVENILE, WITH PULMONARY ARTERIOVENOUS MALFORMATION; TELANGIECTASIA, HEREDITARY HEMORRHAGIC, WITH JUVENILE POLYPOSIS COLI; Juvenile Polyposis Syndrome / Hereditary Hemorrhagic Telangiectasia (JPS/HHT). Identifiers: Orphanet 2929, MedGen C1832942, MONDO:0008278, OMIM 175050.
Hereditary cancer-predisposing syndrome. Also called: Hereditary Cancer Syndrome; Hereditary neoplastic syndrome; Neoplastic Syndromes, Hereditary; Tumor predisposition. Identifiers: Orphanet 140162, MedGen C0027672, MeSH D009386, MONDO:0015356.
Familial thoracic aortic aneurysm and aortic dissection (TAAD). Also called: Thoracic aortic aneurysms and dissections. Identifiers: Orphanet 91387, MedGen C4707243, MONDO:0019625.

gnomAD v4.1: 3 of 1,613,972 alleles (0.00019%); highest among the groups gnomAD compares: South Asian, 0.0033%; no homozygotes.

Submissions (2):

Ambry Genetics
Classification: Likely benign for Hereditary cancer-predisposing syndrome; Familial thoracic aortic aneurysm and aortic dissection. Last evaluated: 2026-06-20. Review status: criteria provided, single submitter. Criteria: Ambry Variant Classification Scheme 2023. Collection method: clinical testing. Allele origin: germline.

Myriad Genetics, Inc.
Classification: Benign for Juvenile polyposis/hereditary hemorrhagic telangiectasia syndrome. Last evaluated: 2025-03-18. Review status: criteria provided, single submitter. Criteria: Myriad Autosomal Dominant, Autosomal Recessive and X-Linked Classification Criteria (2023). Collection method: clinical testing. Allele origin: unknown.
Comment: This variant is considered benign. This variant is a silent/synonymous amino acid change, and it is not expected to impact splicing.